The following is an entry in ClinVar:

NM_000135.4(FANCA):c.3254T>G (p.Leu1085Arg)

Gene: FANCA (FA complementation group A; minus strand). Cytogenetic location: 16q24.3.
Variant type: single nucleotide variant.
Coding change: c.3254T>G on transcript NM_000135.4 (MANE Select); coding-DNA position 3254, T replaced by G.
Protein change: p.Leu1085Arg; replaces leucine 1085 with arginine.
Molecular consequence: missense variant.
Genome position (GRCh38, 1-based): chr16:89,748,753, A>C on the plus strand (T>G on the coding strand, the complement: FANCA is on the minus strand). VCF-style: chr16-89748753-A-C. GRCh37 (hg19) VCF-style: chr16-89815161-A-C.
Other names: c.3254T>G, p.Leu1085Arg (NM_001286167.3); short protein forms L1085R.
Identifiers: ClinVar variation 2122406 (VCV002122406.5), dbSNP rs2544126331, ClinGen allele CA397486382.

ClinVar aggregate classification (germline): Uncertain significance. Review status: criteria provided, multiple submitters, no conflicts (2 of 4 stars). 2 submissions from 2 submitters: Uncertain significance (2). Last evaluated 2025-08-20.

Conditions:
Fanconi anemia (FA). Also called: Fanconi's anemia. Identifiers: Orphanet 84, MedGen C0015625, MeSH D005199, MONDO:0019391.
Inborn genetic diseases. Identifiers: MedGen C0950123, MeSH D030342.

Submissions (2):

Ambry Genetics
Classification: Uncertain significance for Inborn genetic diseases. Last evaluated: 2025-08-20. Review status: criteria provided, single submitter. Criteria: Ambry Variant Classification Scheme 2023. Collection method: clinical testing. Allele origin: germline.
Comment: The p.L1085R variant (also known as c.3254T>G), located in coding exon 33 of the FANCA gene, results from a T to G substitution at nucleotide position 3254. The leucine at codon 1085 is replaced by arginine, an amino acid with dissimilar properties. This amino acid position is conserved. In addition, this alteration is predicted to be deleterious by in silico analysis. Based on the available evidence, the clinical significance of this variant remains unclear.

Labcorp Genetics (formerly Invitae), Labcorp
Classification: Uncertain significance for Fanconi anemia. Last evaluated: 2022-04-07. Review status: criteria provided, single submitter. Criteria: Invitae Variant Classification Sherloc (09022015). Collection method: clinical testing. Allele origin: germline.
Comment: In summary, the available evidence is currently insufficient to determine the role of this variant in disease. Therefore, it has been classified as a Variant of Uncertain Significance. Advanced modeling of protein sequence and biophysical properties (such as structural, functional, and spatial information, amino acid conservation, physicochemical variation, residue mobility, and thermodynamic stability) performed at Invitae indicates that this missense variant is expected to disrupt FANCA protein function. This sequence change replaces leucine, which is neutral and non-polar, with arginine, which is basic and polar, at codon 1085 of the FANCA protein (p.Leu1085Arg). This variant is not present in population databases (gnomAD no frequency). This variant has not been reported in the literature in individuals affected with FANCA-related conditions.